The following is an entry in ClinVar:

NM_018238.4(AGK):c.953G>A (p.Arg318Gln)

Gene: AGK (acylglycerol kinase; plus strand). Cytogenetic location: 7q34.
Variant type: single nucleotide variant.
Coding change: c.953G>A on transcript NM_018238.4 (MANE Select); coding-DNA position 953, G replaced by A.
Protein change: p.Arg318Gln; replaces arginine 318 with glutamine.
Molecular consequence: missense variant.
Genome position (GRCh38, 1-based): chr7:141,641,886, G>A. VCF-style: chr7-141641886-G-A. GRCh37 (hg19) VCF-style: chr7-141341686-G-A.
Other names: c.953G>A, p.Arg318Gln (NM_001364948.3); short protein forms R318Q.
Identifiers: ClinVar variation 4537632 (VCV004537632.1).

ClinVar aggregate classification (germline): Uncertain significance (1 of 4 stars; one submission).

gnomAD v4.1: 35 of 1,581,246 alleles (0.0022%); highest among the groups gnomAD compares: Admixed American, 0.0036%; no homozygotes.

Submission:

GeneDx
Classification: Uncertain significance. Last evaluated: 2025-06-12. Review status: criteria provided, single submitter. Criteria: GeneDx Variant Classification Process June 2021. Collection method: clinical testing. Allele origin: germline. Affected: yes.
Comment: Not observed at significant frequency in large population cohorts (gnomAD); In silico analysis suggests that this missense variant does not alter protein structure/function; Has not been previously published as pathogenic or benign to our knowledge